The following is an entry in ClinVar:

NM_017636.4(TRPM4):c.421G>T (p.Gly141Trp)

Gene: TRPM4 (transient receptor potential cation channel subfamily M member 4; plus strand). Cytogenetic location: 19q13.33.
Variant type: single nucleotide variant.
Coding change: c.421G>T on transcript NM_017636.4 (MANE Select); coding-DNA position 421, G replaced by T.
Protein change: p.Gly141Trp; replaces glycine 141 with tryptophan.
Molecular consequence: missense variant. On other transcripts: intron variant (4).
Genome position (GRCh38, 1-based): chr19:49,168,070, G>T. VCF-style: chr19-49168070-G-T. GRCh37 (hg19) VCF-style: chr19-49671327-G-T.
Other names: c.421G>T (NM_017636.3); c.421G>T, p.Gly141Trp (NM_001195227.2); c.-1105-190G>T (NM_001321282.2); c.268-483G>T (NM_001321281.2); c.-74-190G>T (NM_001321283.2); c.-237-483G>T (NM_001321285.2); short protein forms G141W.
Identifiers: ClinVar variation 2181686 (VCV002181686.5), dbSNP rs766840706, ClinGen allele CA9568811.

ClinVar aggregate classification (germline): Uncertain significance. Review status: criteria provided, multiple submitters, no conflicts (2 of 4 stars). 2 submissions from 2 submitters: Uncertain significance (2). Last evaluated 2023-10-10.

Conditions:
Cardiovascular phenotype. Identifiers: MedGen CN230736.
Progressive familial heart block type IB (PFHB1B). Identifiers: Orphanet 871, MedGen C1970298, MONDO:0011474, OMIM 604559.

Allele frequency attached by ClinVar (database versions not stated): ExAC 0.00001; gnomAD exomes 0.00001; gnomAD 0.00002; TOPMed 0.00003.
gnomAD v4.1: 13 of 1,607,628 alleles (0.00081%); highest among the groups gnomAD compares: Admixed American, 0.017%; 1 homozygote.

Submissions (2):

Ambry Genetics
Classification: Uncertain significance for Cardiovascular phenotype. Last evaluated: 2023-10-10. Review status: criteria provided, single submitter. Criteria: Ambry Variant Classification Scheme 2023. Collection method: clinical testing. Allele origin: germline.
Comment: The p.G141W variant (also known as c.421G>T), located in coding exon 4 of the TRPM4 gene, results from a G to T substitution at nucleotide position 421. The glycine at codon 141 is replaced by tryptophan, an amino acid with highly dissimilar properties. This amino acid position is conserved. In addition, the in silico prediction for this alteration is inconclusive. Since supporting evidence is limited at this time, the clinical significance of this alteration remains unclear.

Labcorp Genetics (formerly Invitae), Labcorp
Classification: Uncertain significance for Progressive familial heart block type IB. Last evaluated: 2023-09-28. Review status: criteria provided, single submitter. Criteria: Invitae Variant Classification Sherloc (09022015). Collection method: clinical testing. Allele origin: germline.
Comment: This variant is present in population databases (rs766840706, gnomAD 0.02%), including at least one homozygous and/or hemizygous individual. In summary, the available evidence is currently insufficient to determine the role of this variant in disease. Therefore, it has been classified as a Variant of Uncertain Significance. An algorithm developed to predict the effect of missense changes on protein structure and function (PolyPhen-2) suggests that this variant is likely to be disruptive. ClinVar contains an entry for this variant (Variation ID: 2181686). This variant has not been reported in the literature in individuals affected with TRPM4-related conditions. This sequence change replaces glycine, which is neutral and non-polar, with tryptophan, which is neutral and slightly polar, at codon 141 of the TRPM4 protein (p.Gly141Trp).